The following is an entry in ClinVar:

ClinVar aggregate classification (germline): Uncertain significance (1 of 4 stars; one submission).

Conditions:
Mucopolysaccharidosis, MPS-III-A (MPS3A). Also called: Mucopolysaccharidosis, type IIIA; mucopolysaccharidosis type 3A; MPS IIIA (Sanfilippo Syndrome Type A); HEPARAN SULFATE SULFATASE DEFICIENCY; Mucopolysaccharidosis type IIIA (Sanfilippo A); SANFILIPPO SYNDROME A. Identifiers: Orphanet 581, Orphanet 79269, MedGen C0086647, MONDO:0009655, OMIM 252900.

Allele frequency attached by ClinVar (database versions not stated): TOPMed 0.00001; gnomAD exomes below 0.00001.
gnomAD v4.1: 5 of 1,605,968 alleles (0.00031%); highest among the groups gnomAD compares: Non-Finnish European, 0.00042%; no homozygotes.

Submission:

Labcorp Genetics (formerly Invitae), Labcorp
Classification: Uncertain significance for Mucopolysaccharidosis, MPS-III-A. Last evaluated: 2021-08-31. Review status: criteria provided, single submitter. Criteria: Invitae Variant Classification Sherloc (09022015). Collection method: clinical testing. Allele origin: germline.
Comment: This sequence change replaces valine with phenylalanine at codon 250 of the SGSH protein (p.Val250Phe). The valine residue is moderately conserved and there is a small physicochemical difference between valine and phenylalanine. This variant is not present in population databases (ExAC no frequency). This variant has not been reported in the literature in individuals affected with SGSH-related conditions. Algorithms developed to predict the effect of missense changes on protein structure and function are either unavailable or do not agree on the potential impact of this missense change (SIFT: "Deleterious"; PolyPhen-2: "Possibly Damaging"; Align-GVGD: "Class C0"). In summary, the available evidence is currently insufficient to determine the role of this variant in disease. Therefore, it has been classified as a Variant of Uncertain Significance.

NM_000199.5(SGSH):c.748G>T (p.Val250Phe)

Gene: SGSH (N-sulfoglucosamine sulfohydrolase; minus strand). Cytogenetic location: 17q25.3.
Variant type: single nucleotide variant.
Coding change: c.748G>T on transcript NM_000199.5 (MANE Select); coding-DNA position 748, G replaced by T.
Protein change: p.Val250Phe; replaces valine 250 with phenylalanine.
Molecular consequence: missense variant. On other transcripts: non-coding transcript variant (1).
Genome position (GRCh38, 1-based): chr17:80,212,272, C>A on the plus strand (G>T on the coding strand, the complement: SGSH is on the minus strand). VCF-style: chr17-80212272-C-A. GRCh37 (hg19) VCF-style: chr17-78186071-C-A.
Other names: c.748G>T, p.Val250Phe (NM_001352921.3, NM_001352922.2); short protein forms V250F.
Identifiers: ClinVar variation 1401473 (VCV001401473.3), dbSNP rs1481986186, ClinGen allele CA401360199.
Genomic context (GRCh38, chr17:80,212,272, plus strand): 5'-AGATCACCAGTGTGTCGTTCAGGACACCGGCGTCACGCAGCTCCTGGAGCACCAGTCCAA[C>A]TCCTGTGGTGAGGGGCCGAGAAGCAGAGCTCAGCCGCAGACACGGAGGGAGGCAGCGGGT-3'
Protein context (NP_000190.1, residues 240-260): YTTVGRMDQG[Val250Phe]GLVLQELRDA